The following is an entry in ClinVar:

ClinVar aggregate classification (germline): Uncertain significance (1 of 4 stars; one submission).

Allele frequency attached by ClinVar (database versions not stated): gnomAD exomes 0.00001.

Submission:

Labcorp Genetics (formerly Invitae), Labcorp
Classification: Uncertain significance. Last evaluated: 2023-06-09. Review status: criteria provided, single submitter. Criteria: Invitae Variant Classification Sherloc (09022015). Collection method: clinical testing. Allele origin: germline.
Comment: In summary, the available evidence is currently insufficient to determine the role of this variant in disease. Therefore, it has been classified as a Variant of Uncertain Significance. Advanced modeling of protein sequence and biophysical properties (such as structural, functional, and spatial information, amino acid conservation, physicochemical variation, residue mobility, and thermodynamic stability) performed at Invitae indicates that this missense variant is not expected to disrupt CARMIL2 protein function. This variant has not been reported in the literature in individuals affected with CARMIL2-related conditions. The frequency data for this variant in the population databases is considered unreliable, as metrics indicate insufficient coverage at this position in the gnomAD database. This sequence change replaces proline, which is neutral and non-polar, with serine, which is neutral and polar, at codon 1039 of the CARMIL2 protein (p.Pro1039Ser).

NM_001013838.3(CARMIL2):c.3115C>T (p.Pro1039Ser)

Gene: CARMIL2 (capping protein regulator and myosin 1 linker 2; plus strand). Cytogenetic location: 16q22.1.
Variant type: single nucleotide variant.
Coding change: c.3115C>T on transcript NM_001013838.3 (MANE Select); coding-DNA position 3115, C replaced by T.
Protein change: p.Pro1039Ser; replaces proline 1039 with serine.
Molecular consequence: missense variant.
Genome position (GRCh38, 1-based): chr16:67,653,249, C>T. VCF-style: chr16-67653249-C-T. GRCh37 (hg19) VCF-style: chr16-67687152-C-T.
Other names: c.3007C>T, p.Pro1003Ser (NM_001317026.3); short protein forms P1039S, P1003S.
Identifiers: ClinVar variation 2785095 (VCV002785095.3), dbSNP rs2543570809, ClinGen allele CA396343420.